The following is an entry in ClinVar:

NM_016222.4(DDX41):c.1018T>A (p.Tyr340Asn)

Gene: DDX41 (DEAD-box helicase 41; minus strand). Cytogenetic location: 5q35.3.
Variant type: single nucleotide variant.
Coding change: c.1018T>A on transcript NM_016222.4 (MANE Select); coding-DNA position 1018, T replaced by A.
Protein change: p.Tyr340Asn; replaces tyrosine 340 with asparagine.
Molecular consequence: missense variant.
Genome position (GRCh38, 1-based): chr5:177,513,765, A>T on the plus strand (T>A on the coding strand, the complement: DDX41 is on the minus strand). VCF-style: chr5-177513765-A-T. GRCh37 (hg19) VCF-style: chr5-176940766-A-T.
Other names: c.640T>A, p.Tyr214Asn (NM_001321732.2, NM_001321830.2); c.1018T>A (NM_016222.2, NM_016222.3); short protein forms Y340N, Y214N.
Identifiers: ClinVar variation 1951538 (VCV001951538.8), dbSNP rs2532080974, ClinGen allele CA362374392.

ClinVar aggregate classification (germline): Conflicting classifications of pathogenicity. Review status: criteria provided, conflicting classifications (1 of 4 stars). 4 submissions from 4 submitters: Likely pathogenic (1); Uncertain significance (3). Last evaluated 2025-09-17.

Conditions:
DDX41-related disorder. Also called: DDX41-related condition.
Inborn genetic diseases. Identifiers: MedGen C0950123, MeSH D030342.

Allele frequency attached by ClinVar (database versions not stated): gnomAD exomes below 0.00001.
gnomAD v4.1: 1 of 1,613,872 alleles (0.000062%); highest among the groups gnomAD compares: Non-Finnish European, 0.000085%; no homozygotes.

Submissions (4):

Labcorp Genetics (formerly Invitae), Labcorp
Classification: Uncertain significance. Last evaluated: 2025-09-17. Review status: criteria provided, single submitter. Criteria: Invitae Variant Classification Sherloc (09022015). Collection method: clinical testing. Allele origin: germline.
Comment: This sequence change replaces tyrosine, which is neutral and polar, with asparagine, which is neutral and polar, at codon 340 of the DDX41 protein (p.Tyr340Asn). This variant is not present in population databases (gnomAD no frequency). This missense change has been observed in individual(s) with myelodysplastic syndrome (PMID: 35671390, 36322930, 37199125, 37665752). ClinVar contains an entry for this variant (Variation ID: 1951538). An algorithm developed to predict the effect of missense changes on protein structure and function (PolyPhen-2) suggests that this variant is likely to be disruptive. In summary, the available evidence is currently insufficient to determine the role of this variant in disease. Therefore, it has been classified as a Variant of Uncertain Significance.

Ambry Genetics
Classification: Uncertain significance for Inborn genetic diseases. Last evaluated: 2025-06-30. Review status: criteria provided, single submitter. Criteria: Ambry Variant Classification Scheme 2023. Collection method: clinical testing. Allele origin: germline.
Comment: The p.Y340N variant (also known as c.1018T>A), located in coding exon 10 of the DDX41 gene, results from a T to A substitution at nucleotide position 1018. The tyrosine at codon 340 is replaced by asparagine, an amino acid with dissimilar properties. This alteration was identified in an individual with myelodysplastic disorder (Makishima H et al. Blood, 2023 Feb;141:534-549). This amino acid position is highly conserved in available vertebrate species. In addition, the in silico prediction for this alteration is inconclusive. Based on the available evidence, the clinical significance of this variant remains unclear.

PreventionGenetics, part of Exact Sciences
Classification: Uncertain significance for DDX41-related condition. Last evaluated: 2025-02-05. Review status: criteria provided, single submitter. Criteria: ACMG Guidelines, 2015. Collection method: clinical testing. Allele origin: germline.
Comment: The DDX41 c.1018T>A variant is predicted to result in the amino acid substitution p.Tyr340Asn. This variant has been reported in five unrelated individuals with myelodysplastic syndrome (Figure 1, Li et al. 2022. PubMed ID: 35671390; Figure 2, Badar et al. 2023. PubMed ID: 37199125; Figure 2, Cheloor Kovilakam et al. 2023. PubMed ID: 37506341; Figure 1, Bataller et al. 2023. PubMed ID: 37665752; Figure 1, Makishima et al. 2023. PubMed ID: 36322930). This variant has not been reported in a large population database (gnomAD), indicating this variant is rare. Although we suspect that this variant may be pathogenic, at this time, the clinical significance of this variant is uncertain due to the absence of conclusive functional and genetic evidence.

GeneDx
Classification: Likely pathogenic. Last evaluated: 2023-02-22. Review status: criteria provided, single submitter. Criteria: GeneDx Variant Classification Process June 2021. Collection method: clinical testing. Allele origin: germline. Affected: yes.
Comment: Not observed at significant frequency in large population cohorts (gnomAD); In silico analysis supports that this missense variant has a deleterious effect on protein structure/function; Observed in an individual with myelodysplastic syndrome in a bone marrow specimen, with variant allele frequency suggestive of the variant being germline (Li et al., 2022); This variant is associated with the following publications: (PMID: 36672294, 36455200, 27721487, 35671390)

Literature cited by the submitters: PubMed 35671390 (cited by Labcorp Genetics (formerly Invitae), Labcorp); PubMed 36322930 (cited by Labcorp Genetics (formerly Invitae), Labcorp and Ambry Genetics); PubMed 37199125 (cited by Labcorp Genetics (formerly Invitae), Labcorp); PubMed 37665752 (cited by Labcorp Genetics (formerly Invitae), Labcorp).